The following is an entry in ClinVar:

NM_022124.6(CDH23):c.9247T>A (p.Phe3083Ile)

Gene: CDH23 (cadherin related 23; plus strand). Cytogenetic location: 10q22.1.
Variant type: single nucleotide variant.
Coding change: c.9247T>A on transcript NM_022124.6 (MANE Select); coding-DNA position 9247, T replaced by A.
Protein change: p.Phe3083Ile; replaces phenylalanine 3083 with isoleucine.
Molecular consequence: missense variant.
Genome position (GRCh38, 1-based): chr10:71,811,559, T>A. VCF-style: chr10-71811559-T-A. GRCh37 (hg19) VCF-style: chr10-73571316-T-A.
Other names: c.2527T>A, p.Phe843Ile (NM_001171933.1, NM_001171934.1); short protein forms F3083I, F843I.
Identifiers: ClinVar variation 618557 (VCV000618557.13), dbSNP rs1564807861, ClinGen allele CA377135342.
Genomic context (GRCh38, chr10:71,811,559, plus strand): 5'-CTGCTCCCGCAGATGGCGATCATCGTCCTGGCTATCCTCCTGTTCCTGGCCGCCATGCTC[T>A]TTGTCCTCATGAACTGGTACTACAGGACTGTGTGAGTGTCCCCCACCCCTGCCATCAGGG-3'
Protein context (NP_071407.4, residues 3073-3093): AILLFLAAML[Phe3083Ile]VLMNWYYRTV

ClinVar aggregate classification (germline): Uncertain significance. Review status: criteria provided, multiple submitters, no conflicts (2 of 4 stars). 2 submissions from 2 submitters: Uncertain significance (2). Last evaluated 2021-09-15.

Submissions (2):

Labcorp Genetics (formerly Invitae), Labcorp
Classification: Uncertain significance. Last evaluated: 2021-09-15. Review status: criteria provided, single submitter. Criteria: Invitae Variant Classification Sherloc (09022015). Collection method: clinical testing. Allele origin: germline.
Comment: This sequence change replaces phenylalanine with isoleucine at codon 3083 of the CDH23 protein (p.Phe3083Ile). The phenylalanine residue is highly conserved and there is a small physicochemical difference between phenylalanine and isoleucine. This variant is not present in population databases (ExAC no frequency). This variant has not been reported in the literature in individuals affected with CDH23-related conditions. ClinVar contains an entry for this variant (Variation ID: 618557). Algorithms developed to predict the effect of missense changes on protein structure and function are either unavailable or do not agree on the potential impact of this missense change (SIFT: "Deleterious"; PolyPhen-2: "Not Available"; Align-GVGD: "Class C0"). In summary, the available evidence is currently insufficient to determine the role of this variant in disease. Therefore, it has been classified as a Variant of Uncertain Significance.

ARUP Laboratories, Molecular Genetics and Genomics, ARUP Laboratories
Classification: Uncertain significance. Last evaluated: 2017-10-20. Review status: criteria provided, single submitter. Criteria: ARUP Molecular Germline Variant Investigation Process. Collection method: clinical testing. Allele origin: germline.
Comment: The p.Phe3083Ile variant has not been reported in the medical literature, is not listed in gene-specific variant databases, nor has it been previously identified in our laboratory. It is also absent from general population databases such as 1000 Genomes, the NHLBI GO Exome Sequencing Project (ESP), and the Genome Aggregation Database (gnomAD) browser. The phenylalanine at codon 3083 is highly conserved considering 12 species up to zebrafish (Alamut software v2.10.0), and computational analyses predict conflicting effects of this variant on protein structure/function (SIFT: tolerated, PolyPhen2: benign, MutationTaster: disease causing). Based on the available information, the clinical significance of the p.Phe3083Ile variant cannot be determined with certainty.